The following is an entry in ClinVar:

NM_000368.5(TSC1):c.631G>C (p.Glu211Gln)

Gene: TSC1 (TSC complex subunit 1; minus strand). Cytogenetic location: 9q34.13.
Variant type: single nucleotide variant.
Coding change: c.631G>C on transcript NM_000368.5 (MANE Select); coding-DNA position 631, G replaced by C.
Protein change: p.Glu211Gln; replaces glutamic acid 211 with glutamine.
Molecular consequence: missense variant. On other transcripts: 5 prime UTR variant (5), non-coding transcript variant (5).
Genome position (GRCh38, 1-based): chr9:132,921,851, C>G on the plus strand (G>C on the coding strand, the complement: TSC1 is on the minus strand). VCF-style: chr9-132921851-C-G. GRCh37 (hg19) VCF-style: chr9-135797238-C-G.
Other names: c.631G>C, p.Glu211Gln (NM_001406603.1, NM_001406604.1, NM_001406605.1 and 16 more transcripts); c.478G>C, p.Glu160Gln (NM_001406610.1, NM_001406611.1, NM_001162427.2 and 2 more transcripts); c.268G>C, p.Glu90Gln (NM_001406622.1, NM_001406623.1, NM_001406624.1 and 10 more transcripts); c.-247G>C (NM_001406626.1, NM_001406627.1, NM_001406628.1); c.-389G>C (NM_001406629.1); c.-463G>C (NM_001406630.1); short protein forms E160Q, E211Q, E90Q.
Identifiers: ClinVar variation 4192043 (VCV004192043.1).

ClinVar aggregate classification (germline): Uncertain significance (1 of 4 stars; one submission).

Conditions:
Hereditary cancer-predisposing syndrome. Also called: Neoplastic Syndromes, Hereditary; Tumor predisposition; Hereditary Cancer Syndrome; Hereditary neoplastic syndrome. Identifiers: Orphanet 140162, MedGen C0027672, MeSH D009386, MONDO:0015356.

gnomAD v4.1: 1 of 1,614,172 alleles (0.000062%); highest among the groups gnomAD compares: Non-Finnish European, 0.000085%; no homozygotes.

Submission:

Ambry Genetics
Classification: Uncertain significance for Hereditary cancer-predisposing syndrome. Last evaluated: 2025-07-02. Review status: criteria provided, single submitter. Criteria: Ambry Variant Classification Scheme 2023. Collection method: clinical testing. Allele origin: germline.
Comment: The p.E211Q variant (also known as c.631G>C), located in coding exon 5 of the TSC1 gene, results from a G to C substitution at nucleotide position 631. The glutamic acid at codon 211 is replaced by glutamine, an amino acid with highly similar properties. This amino acid position is highly conserved in available vertebrate species. In addition, this alteration is predicted to be deleterious by in silico analysis. Based on the available evidence, the clinical significance of this variant remains unclear.